The following is an entry in ClinVar:

NM_000400.4(ERCC2):c.2107G>A (p.Asp703Asn)

Gene: ERCC2 (ERCC excision repair 2, TFIIH core complex helicase subunit; minus strand). Cytogenetic location: 19q13.32.
Variant type: single nucleotide variant.
Coding change: c.2107G>A on transcript NM_000400.4 (MANE Select); coding-DNA position 2107, G replaced by A.
Protein change: p.Asp703Asn; replaces aspartic acid 703 with asparagine.
Molecular consequence: missense variant.
Genome position (GRCh38, 1-based): chr19:45,352,292, C>T on the plus strand (G>A on the coding strand, the complement: ERCC2 is on the minus strand). VCF-style: chr19-45352292-C-T. GRCh37 (hg19) VCF-style: chr19-45855550-C-T.
Other names: short protein forms D703N.
Identifiers: ClinVar variation 1786004 (VCV001786004.3), dbSNP rs1568531345, ClinGen allele CA406362252.
Genomic context (GRCh38, chr19:45,352,292, plus strand): 5'-GCCGCAGGAAGTACTTGGCCACCTGGACACCCTCGTCCACGGTCAGGTTGAGGTTGGCAT[C>T]TGTGAGGTGCTCCTGGATCCAGCGGGGCAGCTTCCCCCGCTTGTCCCCACGGGCAAACCG-3'
Protein context (NP_000391.1, residues 693-713): LPRWIQEHLT[Asp703Asn]ANLNLTVDEG

ClinVar aggregate classification (germline): Uncertain significance (1 of 4 stars; one submission).

Conditions:
Inborn genetic diseases. Identifiers: MedGen C0950123, MeSH D030342.

Submission:

Ambry Genetics
Classification: Uncertain significance for Inborn genetic diseases. Last evaluated: 2024-04-29. Review status: criteria provided, single submitter. Criteria: Ambry Variant Classification Scheme 2023. Collection method: clinical testing. Allele origin: germline.
Comment: The p.D703N variant (also known as c.2107G>A), located in coding exon 22 of the ERCC2 gene, results from a G to A substitution at nucleotide position 2107. The aspartic acid at codon 703 is replaced by asparagine, an amino acid with highly similar properties. This amino acid position is conserved. In addition, this alteration is predicted to be tolerated by in silico analysis. Since supporting evidence is limited at this time, the clinical significance of this alteration remains unclear.